The following is an entry in ClinVar:

ClinVar aggregate classification (germline): Pathogenic (1 of 4 stars; one submission).

Conditions:
Joubert syndrome and related disorders. Identifiers: Orphanet 140874, MedGen C5679612, MONDO:0015369.

Submission:

Myriad Genetics, Inc.
Classification: Pathogenic for Joubert syndrome and related disorders. Last evaluated: 2026-06-10. Review status: criteria provided, single submitter. Criteria: Myriad Autosomal Dominant, Autosomal Recessive and X-Linked Classification Criteria (2023). Collection method: clinical testing. Allele origin: unknown.
Comment: NM_001080522.2(CC2D2A):c.1752G>A(W584*) is expected to be pathogenic in the context of CC2D2A-related disorders. This variant is predicted to lead to an abnormal or absent protein product due to the creation of a premature termination codon in CC2D2A, a gene where loss-of-function variants are known to be pathogenic. Please note: this variant was assessed in the context of healthy population screening.

NM_001378615.1(CC2D2A):c.1752G>A (p.Trp584Ter)

Genes: CC2D2A (coiled-coil and C2 domain containing 2A; plus strand), FBXL5 (F-box and leucine rich repeat protein 5; minus strand). Cytogenetic location: 4p15.32.
Variant type: single nucleotide variant.
Coding change: c.1752G>A on transcript NM_001378615.1 (MANE Select); coding-DNA position 1752, G replaced by A.
Protein change: p.Trp584Ter; replaces tryptophan 584 with a stop codon.
Molecular consequence: nonsense.
Genome position (GRCh38, 1-based): chr4:15,537,064, G>A. VCF-style: chr4-15537064-G-A. GRCh37 (hg19) VCF-style: chr4-15538687-G-A.
Other names: c.1752G>A, p.Trp584Ter (NM_001080522.2); c.1605G>A, p.Trp535Ter (NM_001378617.1); short protein forms W535*, W584*.
Identifiers: ClinVar variation 5016019 (VCV005016019.1).
Genomic context (GRCh38, chr4:15,537,064, plus strand): 5'-GGAGGAGTACGCACAGAAGATGGAAGAATACAGAACGTCGTTACAACAGTGGAAGGCCTG[G>A]AGGAAAGTGCAAGTGTGTAAACAAACACTCAGCCTGGAATAGGGCTGGCCAGGAAGTGTC-3'